The following is an entry in ClinVar:

NM_005378.6(MYCN):c.1037del (p.Pro346fs)

Gene: MYCN (MYCN proto-oncogene, bHLH transcription factor; plus strand). Cytogenetic location: 2p24.3.
Variant type: Deletion.
Coding change: c.1037del on transcript NM_005378.6 (MANE Select); coding-DNA position 1037, one base deleted (C; older notation c.1037delC).
Protein change: p.Pro346fs; shifts the reading frame from proline 346.
Molecular consequence: frameshift variant. On other transcripts: 3 prime UTR variant (1).
Genome position (GRCh38, 1-based): chr2:15,945,739, C deleted; the last of 5 consecutive C bases (chr2:15,945,735-15,945,739); deleting any one gives the same sequence. VCF-style (leftmost placement, unchanged base first): chr2-15945734-AC-A. GRCh37 (hg19) VCF-style: chr2-16085856-AC-A.
Other names: c.1037del, p.Pro346fs (NM_001293228.2); c.404del, p.Pro135fs (NM_001293231.2); c.*972del (NM_001293233.2); short protein forms P135fs, P346fs.
Identifiers: ClinVar variation 3062271 (VCV003062271.1), dbSNP rs1662848905, ClinGen allele CA2698501408.

ClinVar aggregate classification (germline): Likely pathogenic (1 of 4 stars; one submission).

Conditions:
Feingold syndrome type 1 (FGLDS1). Also called: MICROCEPHALY, MENTAL RETARDATION, AND TRACHEOESOPHAGEAL FISTULA SYNDROME; MICROCEPHALY-OCULO-DIGITO-ESOPHAGEAL-DUODENAL SYNDROME; OCULODIGITOESOPHAGODUODENAL SYNDROME; ODED SYNDROME; MICROCEPHALY AND DIGITAL ABNORMALITIES WITH NORMAL INTELLIGENCE. Identifiers: Orphanet 1305, Orphanet 391641, MedGen C4551774, MONDO:0008115, OMIM 164280.

Submission:

Molecular Genetics Department, Kulakov National Medical Research Center for Obstetrics, Gynecology and Perinatology
Classification: Likely pathogenic for Feingold syndrome type 1. Review status: criteria provided, single submitter. Criteria: ACMG Guidelines, 2015. Collection method: clinical testing. Allele origin: germline. Affected: yes.
Comment: A previously undescribed nucleotide variant creates a frameshift p.Pro346HisfsTer5 in the MYCN gene. Loss-of-function variants are reported in patients with Feingold syndrome 1, 164280. The variant is not present in population database (gnomAD no frequency). In summary, the currently available evidence indicates that the variant is pathogenic, but additional data are needed to prove that conclusively. Therefore, this variant has been classified as likely pathogenic.